The following is an entry in ClinVar:

ClinVar aggregate classification (germline): Pathogenic. Review status: criteria provided, multiple submitters, no conflicts (2 of 4 stars). 7 submissions from 7 submitters: Pathogenic (6). 1 of the submissions does not count toward it. Last evaluated 2026-01-26.

Conditions:
Methylmalonic acidemia (MMA). Also called: Isolated Methylmalonic Acidemia. Identifiers: MedGen C0268583, MeSH C537358, MONDO:0002012, HP:0002912.
Methylmalonic aciduria due to complete methylmalonyl-CoA mutase deficiency.
Methylmalonic aciduria due to methylmalonyl-CoA mutase deficiency (MAMM). Also called: Methylmalonic aciduria, mut type. Identifiers: Orphanet 27, MedGen C1855114, MONDO:0009612, OMIM 251000.

Submissions (7):

Labcorp Genetics (formerly Invitae), Labcorp
Classification: Pathogenic. Last evaluated: 2026-01-26. Review status: criteria provided, single submitter. Criteria: Invitae Variant Classification Sherloc (09022015). Collection method: clinical testing. Allele origin: germline.
Comment: This sequence change creates a premature translational stop signal (p.Asn341Lysfs*20) in the MUT gene. It is expected to result in an absent or disrupted protein product. Loss-of-function variants in MUT are known to be pathogenic (PMID: 15781192). This variant is present in population databases (rs752898811, gnomAD 0.01%). This premature translational stop signal has been observed in individuals with methylmalonic acidemia (PMID: 16281286, 27167370). ClinVar contains an entry for this variant (Variation ID: 553958). For these reasons, this variant has been classified as Pathogenic.

Natera, Inc.
Classification: Pathogenic for Methylmalonic aciduria due to complete methylmalonyl-CoA mutase deficiency. Last evaluated: 2025-08-31. Review status: criteria provided, single submitter. Criteria: Natera Variant Classification Schema (03/2026). Collection method: clinical testing. Allele origin: germline.
Comment: The c.1022dupA variant in MMUT is a frameshift variant predicted to shift the reading frame beginning at codon 341 and leads to a stop codon 20 codons downstream. This variant is expected to result in nonsense mediated decay, truncation, or a dysfunctional protein product. This variant is rare in the general population with a frequency below the threshold expected for the associated phenotype(s). This variant has been observed in one or more individuals affected with the associated recessive disease, as either homozygous or compound heterozygous with a second variant (PMID: 16281286). Given the available evidence, this variant is classified as Pathogenic.

GeneDx
Classification: Pathogenic. Last evaluated: 2022-03-03. Review status: criteria provided, single submitter. Criteria: GeneDx Variant Classification Process June 2021. Collection method: clinical testing. Allele origin: germline. Affected: yes.
Comment: Frameshift variant predicted to result in protein truncation or nonsense mediated decay in a gene for which loss-of-function is a known mechanism of disease; Not observed at a significant frequency in large population cohorts (gnomAD); This variant is associated with the following publications: (PMID: 23045948, 15781192, 15643616, 16281286, 32778825, 27167370, 32754920)

Revvity Omics, Revvity
Classification: Pathogenic for Methylmalonic aciduria due to methylmalonyl-CoA mutase deficiency. Last evaluated: 2021-03-22. Review status: criteria provided, single submitter. Criteria: ACMG Guidelines, 2015. Collection method: clinical testing. Allele origin: germline.

Mendelics
Classification: Pathogenic for Methylmalonic aciduria due to methylmalonyl-CoA mutase deficiency. Last evaluated: 2019-05-28. Review status: criteria provided, single submitter. Criteria: Mendelics Assertion Criteria 2017. Collection method: clinical testing. Allele origin: unknown.

Women's Health and Genetics/Laboratory Corporation of America, LabCorp
Classification: Pathogenic for Methylmalonic acidemia. Last evaluated: 2018-11-16. Review status: criteria provided, single submitter. Criteria: LabCorp Variant Classification Summary - May 2015. Collection method: clinical testing. Allele origin: germline.
Comment: Variant summary: MUT c.1022dupA (p.Asn341LysfsX20) results in a premature termination codon, predicted to cause a truncation of the encoded protein or absence of the protein due to nonsense mediated decay, which are commonly known mechanisms for disease. Truncations downstream of this position have been classified as pathogenic by our laboratory (eg. p.Arg467X, p.Arg511X). The variant allele was found at a frequency of 1.6e-05 in 246050 control chromosomes. c.1022dupA has been reported in the literature in multiple individuals affected with Methylmalonic Acidemia (Forny_2016, Martinez_2005, Worgan_2006). These data indicate that the variant is very likely to be associated with disease. One clinical diagnostic laboratory has submitted clinical-significance assessments for this variant to ClinVar after 2014 without evidence for independent evaluation. One laboratory classified the variant as pathogenic. Based on the evidence outlined above, the variant was classified as pathogenic.

Counsyl
Classification: Pathogenic for Methylmalonic aciduria due to methylmalonyl-CoA mutase deficiency. Last evaluated: 2017-10-06. Review status: no assertion criteria provided. Collection method: clinical testing. Allele origin: unknown. Not counted in ClinVar's aggregate classification.

Literature cited by the submitters: PubMed 15781192 (cited by Labcorp Genetics (formerly Invitae), Labcorp and Women's Health and Genetics/Laboratory Corporation of America, LabCorp); PubMed 16281286 (cited by 4 submitters); PubMed 27167370 (cited by Labcorp Genetics (formerly Invitae), Labcorp).

NM_000255.4(MMUT):c.1022dup (p.Asn341fs)

Gene: MMUT (methylmalonyl-CoA mutase; minus strand). Cytogenetic location: 6p12.3.
Variant type: Duplication.
Coding change: c.1022dup on transcript NM_000255.4 (MANE Select); coding-DNA position 1022, one base duplicated (A; older notation c.1022dupA).
Protein change: p.Asn341fs; shifts the reading frame from asparagine 341.
Molecular consequence: frameshift variant.
Genome position (GRCh38, 1-based): chr6:49,453,646, T duplicated on the plus strand (A on the coding strand, the reverse complement: MMUT is on the minus strand); the first of 5 consecutive T bases (chr6:49,453,646-49,453,650); duplicating any one gives the same sequence. VCF-style (leftmost placement, unchanged base first): chr6-49453645-G-GT. GRCh37 (hg19) VCF-style: chr6-49421358-G-GT.
Other names: c.1022dupA (NM_000255.4, NM_000255.3); short protein forms N341fs.
Identifiers: ClinVar variation 553958 (VCV000553958.22), dbSNP rs752898811, ClinGen allele CA3846984.